The following is an entry in ClinVar:

ClinVar aggregate classification (germline): Likely pathogenic (1 of 4 stars; one submission).

Conditions:
Gabriele de Vries syndrome. Identifiers: Orphanet 506358, MedGen C4479652, MONDO:0044738, OMIM 617557.

Submission:

Department of Genetics, HCU Lozano Blesa
Classification: Likely pathogenic for Gabriele de Vries syndrome. Last evaluated: 2025-08-01. Review status: criteria provided, single submitter. Criteria: ACMG Guidelines 2015. Collection method: clinical testing. Allele origin: de novo. Inheritance: Autosomal dominant inheritance. Affected: yes. Observed: 1 variant allele.
Comment: The c.264del (p.His75Leufs*9) variant in the YY1 gene (NM_003403.5) should be classified as a likely pathogenic variant based on the following criteria (ACMG): - The variant is not reported in population databases (GnomAD) (criterion PM2sup). - A nucleotide duplication occurs, causing a change in the reading frame, creating a premature stop codon and generating a truncated protein, with loss of protein function being a known mechanism of pathogenicity (PVS1 criterion).

NM_003403.5(YY1):c.264del (p.Leu89fs)

Gene: YY1 (YY1 transcription factor; plus strand). Cytogenetic location: 14q32.2.
Variant type: Deletion.
Coding change: c.264del on transcript NM_003403.5 (MANE Select); coding-DNA position 264, one base deleted (G; older notation c.264delG).
Protein change: p.Leu89fs; shifts the reading frame from leucine 89.
Molecular consequence: frameshift variant.
Genome position (GRCh38, 1-based): chr14:100,239,508, G deleted. VCF-style (leftmost placement, unchanged base first): chr14-100239507-CG-C. GRCh37 (hg19) VCF-style: chr14-100705844-CG-C.
Other names: short protein forms L89fs.
Identifiers: ClinVar variation 4087724 (VCV004087724.1).